The following is an entry in ClinVar:

ClinVar aggregate classification (germline): Likely benign (1 of 4 stars; one submission).

Conditions:
DST-related disorder. Also called: DST-related disorders; DST-related condition.

gnomAD v4.1: 49 of 1,548,016 alleles (0.0032%); highest among the groups gnomAD compares: African/African-American, 0.062%; no homozygotes.

Submission:

PreventionGenetics, part of Exact Sciences
Classification: Likely benign for DST-related condition. Last evaluated: 2025-03-11. Review status: criteria provided, single submitter. Criteria: ACMG Guidelines, 2015. Collection method: clinical testing. Allele origin: germline.
Comment: This variant is classified as likely benign based on ACMG/AMP sequence variant interpretation guidelines (Richards et al. 2015 PMID: 25741868, with internal and published modifications).

NM_001374736.1(DST):c.1644A>G (p.Leu548=)

Gene: DST (dystonin; minus strand). Cytogenetic location: 6p12.1.
Variant type: single nucleotide variant.
Coding change: c.1644A>G on transcript NM_001374736.1 (MANE Select); coding-DNA position 1644, A replaced by G.
Protein change: p.Leu548=; no amino-acid change (leucine 548 retained).
Molecular consequence: synonymous variant.
Genome position (GRCh38, 1-based): chr6:56,646,093, T>C on the plus strand (A>G on the coding strand, the complement: DST is on the minus strand). VCF-style: chr6-56646093-T-C. GRCh37 (hg19) VCF-style: chr6-56510891-T-C.
Other names: c.1545A>G, p.Leu515= (NM_001144769.5); c.1131A>G, p.Leu377= (NM_001144770.2); c.1644A>G, p.Leu548= (NM_001374722.1); c.1011A>G, p.Leu337= (NM_001374729.1, NM_001374730.1, NM_001386100.1 and 1 more transcripts); c.1671A>G, p.Leu557= (NM_001374734.1).
Identifiers: ClinVar variation 4981336 (VCV004981336.1).
Genomic context (GRCh38, chr6:56,646,093, plus strand): 5'-AAACAAAACAAAACAAAGACTATGCTTGACAATACAAAGCAAATTTGAGCTTACCTCTAA[T>C]AATTTATATAGACGTTTAATTTTTGATTTTTCTGTCTCCTTTGGTGGAATTTCTGTTTCT-3'
Protein context (NP_001361665.1, residues 538-558): EKSKIKRLYK[Leu548=]LEIWIEFGRI